The following is an entry in ClinVar:

NM_001351132.2(PEX5):c.750G>C (p.Gln250His)

Gene: PEX5 (peroxisomal biogenesis factor 5; plus strand). Cytogenetic location: 12p13.31.
Variant type: single nucleotide variant.
Coding change: c.750G>C on transcript NM_001351132.2 (MANE Select); coding-DNA position 750, G replaced by C.
Protein change: p.Gln250His; replaces glutamine 250 with histidine.
Molecular consequence: missense variant. On other transcripts: intron variant (15).
Genome position (GRCh38, 1-based): chr12:7,202,348, G>C. VCF-style: chr12-7202348-G-C. GRCh37 (hg19) VCF-style: chr12-7354944-G-C.
Other names: c.750G>C, p.Gln250His (NM_000319.5, NM_001131025.2, NM_001131026.2 and 6 more transcripts); c.795G>C, p.Gln265His (NM_001131023.2); c.643-264G>C (NM_001351124.3, NM_001351126.2, NM_001374646.1 and 10 more transcripts); c.688-264G>C (NM_001351135.3, NM_001351138.2); short protein forms Q265H, Q250H.
Identifiers: ClinVar variation 1346622 (VCV001346622.5), dbSNP rs1239267747, ClinGen allele CA383723535.

ClinVar aggregate classification (germline): Uncertain significance (1 of 4 stars; one submission).

Conditions:
Peroxisome biogenesis disorder 2B (PBD2B). Identifiers: Orphanet 44, MedGen C3550234, MONDO:0008736, OMIM 202370.

Allele frequency attached by ClinVar (database versions not stated): gnomAD exomes below 0.00001; gnomAD 0.00001; TOPMed 0.00001.
gnomAD v4.1: 4 of 1,614,038 alleles (0.00025%); highest among the groups gnomAD compares: Non-Finnish European, 0.00034%; no homozygotes.

Submission:

Labcorp Genetics (formerly Invitae), Labcorp
Classification: Uncertain significance for Peroxisome biogenesis disorder 2B. Last evaluated: 2022-07-06. Review status: criteria provided, single submitter. Criteria: Invitae Variant Classification Sherloc (09022015). Collection method: clinical testing. Allele origin: germline.
Comment: This sequence change replaces glutamine, which is neutral and polar, with histidine, which is basic and polar, at codon 250 of the PEX5 protein (p.Gln250His). This variant is present in population databases (no rsID available, gnomAD 0.0009%). This variant has not been reported in the literature in individuals affected with PEX5-related conditions. ClinVar contains an entry for this variant (Variation ID: 1346622). Algorithms developed to predict the effect of missense changes on protein structure and function are either unavailable or do not agree on the potential impact of this missense change (SIFT: "Tolerated"; PolyPhen-2: "Possibly Damaging"; Align-GVGD: "Class C0"). In summary, the available evidence is currently insufficient to determine the role of this variant in disease. Therefore, it has been classified as a Variant of Uncertain Significance.